The following is an entry in ClinVar:

ClinVar aggregate classification (germline): Uncertain significance (1 of 4 stars; one submission).

Conditions:
Neonatal-onset encephalopathy with rigidity and seizures. Also called: Lethal neonatal spasticity-epileptic encephalopathy syndrome. Identifiers: Orphanet 435845, MedGen C3281029, MONDO:0013784, OMIM 614498.

Submission:

Labcorp Genetics (formerly Invitae), Labcorp
Classification: Uncertain significance for Neonatal-onset encephalopathy with rigidity and seizures. Last evaluated: 2021-09-19. Review status: criteria provided, single submitter. Criteria: Invitae Variant Classification Sherloc (09022015). Collection method: clinical testing. Allele origin: germline.
Comment: This sequence change falls in intron 13 of the BRAT1 gene. It does not directly change the encoded amino acid sequence of the BRAT1 protein. It affects a nucleotide within the consensus splice site of the intron. This variant is not present in population databases (ExAC no frequency). This variant has not been reported in the literature in individuals affected with BRAT1-related conditions. Variants that disrupt the consensus splice site are a relatively common cause of aberrant splicing (PMID: 17576681, 9536098). Algorithms developed to predict the effect of sequence changes on RNA splicing suggest that this variant may disrupt the consensus splice site. In summary, the available evidence is currently insufficient to determine the role of this variant in disease. Therefore, it has been classified as a Variant of Uncertain Significance.

Literature cited by the submitters: PubMed 17576681; PubMed 9536098.

NM_152743.4(BRAT1):c.1771-3C>G

Gene: BRAT1 (BRCA1 associated ATM activator 1; minus strand). Cytogenetic location: 7p22.3.
Variant type: single nucleotide variant.
Coding change: c.1771-3C>G on transcript NM_152743.4 (MANE Select); 3 bases into the intron before coding-DNA position 1771, C replaced by G.
Molecular consequence: intron variant. On other transcripts: missense variant (1).
Genome position (GRCh38, 1-based): chr7:2,538,767, G>C on the plus strand (C>G on the coding strand, the complement: BRAT1 is on the minus strand). VCF-style: chr7-2538767-G-C. GRCh37 (hg19) VCF-style: chr7-2578401-G-C.
Other names: c.1948C>G, p.Gln650Glu (NM_001350626.2); c.1246-3C>G (NM_001350627.2); short protein forms Q650E.
Identifiers: ClinVar variation 1471093 (VCV001471093.3), dbSNP rs1778900875, ClinGen allele CA1683198679.
Genomic context (GRCh38, chr7:2,538,767, plus strand): 5'-GCCGTGGGAAGCCCTCCGAGTCTACGGAGAGGATGTGCAGGAGCTCCAGGAACAGGCTCT[G>C]GGGGACAGGGAGCAAGTGCGGATGGTTGGTGGGGTGGCAGGAGCGAGGCTCCCGCAACAG-3'